The following is an entry in ClinVar:

ClinVar aggregate classification (germline): Benign/Likely benign. Review status: criteria provided, multiple submitters, no conflicts (2 of 4 stars). 2 submissions from 2 submitters: Benign (1); Likely benign (1). Last evaluated 2025-09-23.

Allele frequency attached by ClinVar (database versions not stated): ExAC 0.00001; gnomAD exomes 0.00004 and 0.00011; TOPMed 0.00006; gnomAD 0.00007 and 0.00008.
gnomAD v4.1: 121 of 1,209,575 alleles (0.01%); highest among the groups gnomAD compares: Non-Finnish European, 0.013%; no homozygotes.

Submissions (2):

Labcorp Genetics (formerly Invitae), Labcorp
Classification: Benign. Last evaluated: 2025-09-23. Review status: criteria provided, single submitter. Criteria: Invitae Variant Classification Sherloc (09022015). Collection method: clinical testing. Allele origin: germline.

CeGaT Center for Human Genetics Tuebingen
Classification: Likely benign. Last evaluated: 2022-11-01. Review status: criteria provided, single submitter. Criteria: CeGaT Center For Human Genetics Tuebingen Variant Classification Criteria Version 2. Collection method: clinical testing. Allele origin: germline. Affected: yes. Observed: 1 variant allele.
Comment: NEXMIF: BP4, BP7, BS2

NM_001008537.3(NEXMIF):c.4065C>T (p.Tyr1355=)

Gene: NEXMIF (neurite extension and migration factor; minus strand). Cytogenetic location: Xq13.3.
Variant type: single nucleotide variant.
Coding change: c.4065C>T on transcript NM_001008537.3 (MANE Select); coding-DNA position 4065, C replaced by T.
Protein change: p.Tyr1355=; no amino-acid change (tyrosine 1355 retained).
Molecular consequence: synonymous variant.
Genome position (GRCh38, 1-based): chrX:74,740,492, G>A on the plus strand (C>T on the coding strand, the complement: NEXMIF is on the minus strand). VCF-style: chrX-74740492-G-A. GRCh37 (hg19) VCF-style: chrX-73960327-G-A.
Identifiers: ClinVar variation 751379 (VCV000751379.32), dbSNP rs755840617, ClinGen allele CA10454881.